The following is an entry in ClinVar:

ClinVar aggregate classification (germline): Uncertain significance (1 of 4 stars; one submission).

Conditions:
Hereditary cancer-predisposing syndrome. Also called: Neoplastic Syndromes, Hereditary; Tumor predisposition; Hereditary Cancer Syndrome; Hereditary neoplastic syndrome. Identifiers: Orphanet 140162, MedGen C0027672, MeSH D009386, MONDO:0015356.

Submission:

Ambry Genetics
Classification: Uncertain significance for Hereditary cancer-predisposing syndrome. Last evaluated: 2020-05-21. Review status: criteria provided, single submitter. Criteria: Ambry Variant Classification Scheme 2023. Collection method: clinical testing. Allele origin: germline.
Comment: The p.V750L variant (also known as c.2248G>C), located in coding exon 5 of the PALB2 gene, results from a G to C substitution at nucleotide position 2248. The valine at codon 750 is replaced by leucine, an amino acid with highly similar properties. This amino acid position is not well conserved in available vertebrate species. In addition, this alteration is predicted to be tolerated by in silico analysis. Since supporting evidence is limited at this time, the clinical significance of this alteration remains unclear.

NM_024675.4(PALB2):c.2248G>C (p.Val750Leu)

Gene: PALB2 (partner and localizer of BRCA2; minus strand). Cytogenetic location: 16p12.2.
Variant type: single nucleotide variant.
Coding change: c.2248G>C on transcript NM_024675.4 (MANE Select); coding-DNA position 2248, G replaced by C.
Protein change: p.Val750Leu; replaces valine 750 with leucine.
Molecular consequence: missense variant.
Genome position (GRCh38, 1-based): chr16:23,629,906, C>G on the plus strand (G>C on the coding strand, the complement: PALB2 is on the minus strand). VCF-style: chr16-23629906-C-G. GRCh37 (hg19) VCF-style: chr16-23641227-C-G.
Other names: c.2188G>C, p.Val730Leu (NM_001407296.1); c.2248G>C, p.Val750Leu (NM_001407297.1, NM_001407298.1, NM_001407299.1 and 3 more transcripts); c.1363G>C, p.Val455Leu (NM_001407304.1, NM_001407305.1, NM_001407306.1 and 5 more transcripts); c.460G>C, p.Val154Leu (NM_001407312.1, NM_001407313.1); short protein forms V730L, V455L, V154L, V750L.
Identifiers: ClinVar variation 1788369 (VCV001788369.2), dbSNP rs1567217769, ClinGen allele CA395125473.